The following is an entry in ClinVar:

ClinVar aggregate classification (germline): Likely pathogenic (1 of 4 stars; one submission).

Conditions:
Primary ciliary dyskinesia. Also called: Ciliary dyskinesia. Identifiers: Orphanet 244, MedGen C0008780, MONDO:0016575, HP:0012265.

Allele frequency attached by ClinVar (database versions not stated): gnomAD exomes below 0.00001.
gnomAD v4.1: 1 of 1,587,986 alleles (0.000063%); highest among the groups gnomAD compares: Non-Finnish European, 0.000086%; no homozygotes.

Submission:

Labcorp Genetics (formerly Invitae), Labcorp
Classification: Likely pathogenic for Primary ciliary dyskinesia. Last evaluated: 2023-03-14. Review status: criteria provided, single submitter. Criteria: Invitae Variant Classification Sherloc (09022015). Collection method: clinical testing. Allele origin: germline.
Comment: In summary, the currently available evidence indicates that the variant is pathogenic, but additional data are needed to prove that conclusively. Therefore, this variant has been classified as Likely Pathogenic. Algorithms developed to predict the effect of sequence changes on RNA splicing suggest that this variant may disrupt the consensus splice site. This variant has not been reported in the literature in individuals affected with DNAH11-related conditions. This variant is not present in population databases (gnomAD no frequency). This sequence change affects a donor splice site in intron 29 of the DNAH11 gene. It is expected to disrupt RNA splicing. Variants that disrupt the donor or acceptor splice site typically lead to a loss of protein function (PMID: 16199547), and loss-of-function variants in DNAH11 are known to be pathogenic (PMID: 18022865, 20513915, 22184204).

Literature cited by the submitters: PubMed 16199547; PubMed 18022865; PubMed 20513915; PubMed 22184204.

NM_001277115.2(DNAH11):c.5094+2T>G

Gene: DNAH11 (dynein axonemal heavy chain 11; plus strand). Cytogenetic location: 7p15.3.
Variant type: single nucleotide variant.
Coding change: c.5094+2T>G on transcript NM_001277115.2 (MANE Select); the canonical splice donor site of the intron after coding-DNA position 5094, T replaced by G.
Molecular consequence: splice donor variant.
Genome position (GRCh38, 1-based): chr7:21,655,983, T>G. VCF-style: chr7-21655983-T-G. GRCh37 (hg19) VCF-style: chr7-21695601-T-G.
Identifiers: ClinVar variation 2845625 (VCV002845625.3), dbSNP rs1583567778, ClinGen allele CA366938377.
Genomic context (GRCh38, chr7:21,655,983, plus strand): 5'-TGTACAGCAAAGAAAAGGAGTATGTCCCATTCCAAGCCGAGTGTGAATGTGTGGGCCATG[T>G]AAGATTTGATTATGAGGTTTTCTATGCTAGGGGAGTATTTTCAGCATGCTCTTAGAAGGT-3'